The following is an entry in ClinVar:

ClinVar aggregate classification (germline): Uncertain significance. Review status: criteria provided, multiple submitters, no conflicts (2 of 4 stars). 4 submissions from 4 submitters: Uncertain significance (4). Last evaluated 2026-03-24.

Conditions:
Microcephaly 5, primary, autosomal recessive (MCPH5). Also called: ASPM Primary Microcephaly. Identifiers: Orphanet 2512, MedGen C1837501, MONDO:0012106, OMIM 608716.

Allele frequency attached by ClinVar (database versions not stated): ExAC 0.00001; 1000 Genomes Project 0.00020; gnomAD 0.00007; 1000 Genomes Project 30x 0.00016.
gnomAD v4.1: 23 of 1,613,026 alleles (0.0014%); highest among the groups gnomAD compares: Admixed American, 0.033%; no homozygotes.

Submissions (4):

GeneDx
Classification: Uncertain significance. Last evaluated: 2026-03-24. Review status: criteria provided, single submitter. Criteria: GeneDx Variant Classification Process June 2021. Collection method: clinical testing. Allele origin: germline.
Comment: Not observed at significant frequency in large population cohorts (gnomAD); In silico analysis supports that this missense variant has a deleterious effect on protein structure/function; Has not been previously published as pathogenic or benign to our knowledge

Labcorp Genetics (formerly Invitae), Labcorp
Classification: Uncertain significance. Last evaluated: 2025-11-17. Review status: criteria provided, single submitter. Criteria: Invitae Variant Classification Sherloc (09022015). Collection method: clinical testing. Allele origin: germline.
Comment: This sequence change replaces proline, which is neutral and non-polar, with alanine, which is neutral and non-polar, at codon 3311 of the ASPM protein (p.Pro3311Ala). This variant is present in population databases (rs542967760, gnomAD 0.01%). This variant has not been reported in the literature in individuals affected with ASPM-related conditions. ClinVar contains an entry for this variant (Variation ID: 1325567). An algorithm developed to predict the effect of missense changes on protein structure and function (PolyPhen-2) suggests that this variant is likely to be disruptive. In summary, the available evidence is currently insufficient to determine the role of this variant in disease. Therefore, it has been classified as a Variant of Uncertain Significance.

Genome-Nilou Lab
Classification: Uncertain significance for Microcephaly 5, primary, autosomal recessive. Last evaluated: 2023-04-11. Review status: criteria provided, single submitter. Criteria: ACMG Guidelines, 2015. Collection method: clinical testing. Allele origin: germline. Affected: no.

New York Genome Center
Classification: Uncertain significance for Microcephaly 5, primary, autosomal recessive. Last evaluated: 2020-04-14. Review status: criteria provided, single submitter. Criteria: NYGC Assertion Criteria 2020. Collection method: clinical testing. Allele origin: germline. Observed: 1 heterozygote. Study: CSER-NYCKidSeq.

NM_018136.5(ASPM):c.9931C>G (p.Pro3311Ala)

Gene: ASPM (assembly factor for spindle microtubules; minus strand). Cytogenetic location: 1q31.3.
Variant type: single nucleotide variant.
Coding change: c.9931C>G on transcript NM_018136.5 (MANE Select); coding-DNA position 9931, C replaced by G.
Protein change: p.Pro3311Ala; replaces proline 3311 with alanine.
Molecular consequence: missense variant.
Genome position (GRCh38, 1-based): chr1:197,089,983, G>C on the plus strand (C>G on the coding strand, the complement: ASPM is on the minus strand). VCF-style: chr1-197089983-G-C. GRCh37 (hg19) VCF-style: chr1-197059113-G-C.
Other names: c.5176C>G, p.Pro1726Ala (NM_001206846.2); short protein forms P1726A, P3311A.
Identifiers: ClinVar variation 1325567 (VCV001325567.7), dbSNP rs542967760, ClinGen allele CA1308823.